The following is an entry in ClinVar:

ClinVar aggregate classification (germline): Uncertain significance (1 of 4 stars; one submission).

Conditions:
Joubert syndrome 20 (JBTS20). Identifiers: Orphanet 475, MedGen C3554235, MONDO:0013994, OMIM 614970.
Meckel syndrome, type 11 (MKS11). Identifiers: Orphanet 564, MedGen C3809352, MONDO:0014164, OMIM 615397.

gnomAD v4.1: 1 of 1,613,618 alleles (0.000062%); highest among the groups gnomAD compares: Admixed American, 0.0017%; no homozygotes.

Submission:

Labcorp Genetics (formerly Invitae), Labcorp
Classification: Uncertain significance for Joubert syndrome 20; Meckel syndrome, type 11. Last evaluated: 2022-07-05. Review status: criteria provided, single submitter. Criteria: Invitae Variant Classification Sherloc (09022015). Collection method: clinical testing. Allele origin: germline.
Comment: In summary, the available evidence is currently insufficient to determine the role of this variant in disease. Therefore, it has been classified as a Variant of Uncertain Significance. This variant disrupts the c.823G nucleotide in the TMEM231 gene. Other variant(s) that disrupt this nucleotide have been determined to be pathogenic (PMID: 23349226, 25869670, 27894351). This suggests that this nucleotide is clinically significant, and that variants that disrupt this position are likely to be disease-causing. Variants that disrupt the consensus splice site are a relatively common cause of aberrant splicing (PMID: 17576681, 9536098). Algorithms developed to predict the effect of sequence changes on RNA splicing suggest that this variant may disrupt the consensus splice site. Algorithms developed to predict the effect of missense changes on protein structure and function are either unavailable or do not agree on the potential impact of this missense change (SIFT: "Tolerated"; PolyPhen-2: "Not Available"; Align-GVGD: "Class C0"). ClinVar contains an entry for this variant (Variation ID: 1359568). This variant has not been reported in the literature in individuals affected with TMEM231-related conditions. This variant is not present in population databases (gnomAD no frequency). This sequence change replaces valine, which is neutral and non-polar, with leucine, which is neutral and non-polar, at codon 275 of the TMEM231 protein (p.Val275Leu). This variant also falls at the last nucleotide of exon 4, which is part of the consensus splice site for this exon.

Literature cited by the submitters: PubMed 23349226; PubMed 25869670; PubMed 27894351; PubMed 17576681; PubMed 9536098.

NM_001077418.3(TMEM231):c.664G>C (p.Val222Leu)

Gene: TMEM231 (transmembrane protein 231; minus strand). Cytogenetic location: 16q23.1.
Variant type: single nucleotide variant.
Coding change: c.664G>C on transcript NM_001077418.3 (MANE Select); coding-DNA position 664, G replaced by C.
Protein change: p.Val222Leu; replaces valine 222 with leucine.
Molecular consequence: missense variant. On other transcripts: non-coding transcript variant (1).
Genome position (GRCh38, 1-based): chr16:75,542,602, C>G on the plus strand (G>C on the coding strand, the complement: TMEM231 is on the minus strand). VCF-style: chr16-75542602-C-G. GRCh37 (hg19) VCF-style: chr16-75576500-C-G.
Other names: c.823G>C, p.Val275Leu (NM_001077416.2); short protein forms V222L, V275L.
Identifiers: ClinVar variation 1359568 (VCV001359568.8), dbSNP rs397514753, ClinGen allele CA396804614.